The following is an entry in ClinVar:

ClinVar aggregate classification (germline): Uncertain significance (1 of 4 stars; one submission).

Conditions:
Autosomal recessive distal spinal muscular atrophy 2. Also called: NEURONOPATHY, DISTAL HEREDITARY MOTOR, JERASH TYPE; NEUROPATHY, DISTAL HEREDITARY MOTOR, JERASH TYPE; SPINAL MUSCULAR ATROPHY, JERASH TYPE; Hereditary motor neuropathy, Jerash type; Motor neuropathy, distal, Jerash type; NEUROPATHY, DISTAL HEREDITARY MOTOR, AUTOSOMAL RECESSIVE 2. Identifiers: Orphanet 139552, MedGen C1854023, MONDO:0011585, OMIM 605726.
Amyotrophic lateral sclerosis type 16. Also called: AMYOTROPHIC LATERAL SCLEROSIS 16, JUVENILE. Identifiers: Orphanet 300605, MedGen C3280587, MONDO:0013715, OMIM 614373.

Submission:

Labcorp Genetics (formerly Invitae), Labcorp
Classification: Uncertain significance for Autosomal recessive distal spinal muscular atrophy 2; Amyotrophic lateral sclerosis type 16. Last evaluated: 2022-07-21. Review status: criteria provided, single submitter. Criteria: Invitae Variant Classification Sherloc (09022015). Collection method: clinical testing. Allele origin: germline.
Comment: This sequence change replaces arginine, which is basic and polar, with proline, which is neutral and non-polar, at codon 208 of the SIGMAR1 protein (p.Arg208Pro). This variant is not present in population databases (gnomAD no frequency). This variant has not been reported in the literature in individuals affected with SIGMAR1-related conditions. Algorithms developed to predict the effect of missense changes on protein structure and function (SIFT, PolyPhen-2, Align-GVGD) all suggest that this variant is likely to be disruptive. In summary, the available evidence is currently insufficient to determine the role of this variant in disease. Therefore, it has been classified as a Variant of Uncertain Significance.

NM_005866.4(SIGMAR1):c.623G>C (p.Arg208Pro)

Gene: SIGMAR1 (sigma receptor chaperone 1; minus strand). Cytogenetic location: 9p13.3.
Variant type: single nucleotide variant.
Coding change: c.623G>C on transcript NM_005866.4 (MANE Select); coding-DNA position 623, G replaced by C.
Protein change: p.Arg208Pro; replaces arginine 208 with proline.
Molecular consequence: missense variant. On other transcripts: 3 prime UTR variant (2), non-coding transcript variant (1), intron variant (1).
Genome position (GRCh38, 1-based): chr9:34,635,681, C>G on the plus strand (G>C on the coding strand, the complement: SIGMAR1 is on the minus strand). VCF-style: chr9-34635681-C-G. GRCh37 (hg19) VCF-style: chr9-34635678-C-G.
Other names: c.323G>C, p.Arg108Pro (NM_001282206.2); c.563G>C, p.Arg188Pro (NM_001282207.2); c.*166G>C (NM_001282208.2); c.*150G>C (NM_001282209.2); c.530G>C, p.Arg177Pro (NM_147157.3); c.446-41G>C (NM_001282205.2); short protein forms R108P, R177P, R188P, R208P.
Identifiers: ClinVar variation 1721594 (VCV001721594.6), dbSNP rs541996857, ClinGen allele CA373272124.